The following is an entry in ClinVar:

NM_003072.5(SMARCA4):c.2699A>G (p.His900Arg)

Gene: SMARCA4 (SWI/SNF related BAF chromatin remodeling complex subunit ATPase 4; plus strand). Cytogenetic location: 19p13.2.
Variant type: single nucleotide variant.
Coding change: c.2699A>G on transcript NM_003072.5 (MANE Select); coding-DNA position 2699, A replaced by G.
Protein change: p.His900Arg; replaces histidine 900 with arginine.
Molecular consequence: missense variant. On other transcripts: non-coding transcript variant (1).
Genome position (GRCh38, 1-based): chr19:11,021,807, A>G. VCF-style: chr19-11021807-A-G. GRCh37 (hg19) VCF-style: chr19-11132483-A-G.
Other names: c.2699A>G, p.His900Arg (NM_001128844.3, NM_001128845.2, NM_001128846.2 and 5 more transcripts); short protein forms H900R.
Identifiers: ClinVar variation 654635 (VCV000654635.16), dbSNP rs1600278214, ClinGen allele CA404056070.

ClinVar aggregate classification (germline): Uncertain significance. Review status: criteria provided, multiple submitters, no conflicts (2 of 4 stars). 3 submissions from 3 submitters: Uncertain significance (3). Last evaluated 2026-09-03.

Conditions:
Rhabdoid tumor predisposition syndrome 2 (RTPS2). Identifiers: Orphanet 231108, Orphanet 69077, MedGen C2750074, MONDO:0013224, OMIM 613325.
Hereditary cancer-predisposing syndrome. Also called: Neoplastic Syndromes, Hereditary; Hereditary Cancer Syndrome; Hereditary neoplastic syndrome; Tumor predisposition. Identifiers: Orphanet 140162, MedGen C0027672, MeSH D009386, MONDO:0015356.
Intellectual disability, autosomal dominant 16 (CSS4). Also called: COFFIN-SIRIS SYNDROME 4. Identifiers: Orphanet 1465, MedGen C3553249, MONDO:0013821, OMIM 614609.

Submissions (3):

Ambry Genetics
Classification: Uncertain significance for Hereditary cancer-predisposing syndrome. Last evaluated: 2026-09-03. Review status: criteria provided, single submitter. Criteria: Ambry Variant Classification Scheme 2023. Collection method: clinical testing. Allele origin: germline.
Comment: The c.2699A>G (p.H900R) alteration is located in exon 19 (coding exon 18) of the SMARCA4 gene. This alteration results from a A to G substitution at nucleotide position 2699, causing the histidine (H) at amino acid position 900 to be replaced by an arginine (R). This variant was not reported in population-based cohorts in the Genome Aggregation Database (gnomAD). This amino acid position is highly conserved in available vertebrate species. This missense variant is located in a region that has a low rate of benign missense variation (Lek, 2016; Firth, 2009). This alteration is predicted to be deleterious by in silico analysis. Based on insufficient or conflicting evidence, the clinical significance of this alteration remains unclear.

Genome-Nilou Lab
Classification: Uncertain significance for Intellectual disability, autosomal dominant 16. Last evaluated: 2021-07-15. Review status: criteria provided, single submitter. Criteria: ACMG Guidelines, 2015. Collection method: clinical testing. Allele origin: germline. Affected: no.

Labcorp Genetics (formerly Invitae), Labcorp
Classification: Uncertain significance for Rhabdoid tumor predisposition syndrome 2. Last evaluated: 2018-07-31. Review status: criteria provided, single submitter. Criteria: Invitae Variant Classification Sherloc (09022015). Collection method: clinical testing. Allele origin: germline.
Comment: In summary, the available evidence is currently insufficient to determine the role of this variant in disease. Therefore, it has been classified as a Variant of Uncertain Significance. Algorithms developed to predict the effect of missense changes on protein structure and function (SIFT, PolyPhen-2, Align-GVGD) all suggest that this variant is likely to be disruptive, but these predictions have not been confirmed by published functional studies and their clinical significance is uncertain. This variant has not been reported in the literature in individuals with SMARCA4-related disease. This variant is not present in population databases (ExAC no frequency). This sequence change replaces histidine with arginine at codon 900 of the SMARCA4 protein (p.His900Arg). The histidine residue is highly conserved and there is a small physicochemical difference between histidine and arginine.